The following is an entry in ClinVar:

ClinVar aggregate classification (germline): Uncertain significance. Review status: criteria provided, multiple submitters, no conflicts (2 of 4 stars). 2 submissions from 2 submitters: Uncertain significance (2). Last evaluated 2025-12-23.

Conditions:
Neuroblastoma, susceptibility to, 3. Also called: ALK-Related Neuroblastic Tumor Susceptibility. Identifiers: Orphanet 635, MedGen C2751681, MONDO:0013083, OMIM 613014.

Submissions (2):

Labcorp Genetics (formerly Invitae), Labcorp
Classification: Uncertain significance for Neuroblastoma, susceptibility to, 3. Last evaluated: 2025-12-23. Review status: criteria provided, single submitter. Criteria: Invitae Variant Classification Sherloc (09022015). Collection method: clinical testing. Allele origin: germline.
Comment: This sequence change replaces threonine, which is neutral and polar, with asparagine, which is neutral and polar, at codon 1387 of the ALK protein (p.Thr1387Asn). This variant is not present in population databases (gnomAD no frequency). This variant has not been reported in the literature in individuals affected with ALK-related conditions. An algorithm developed to predict the effect of missense changes on protein structure and function (PolyPhen-2) suggests that this variant is likely to be disruptive. In summary, the available evidence is currently insufficient to determine the role of this variant in disease. Therefore, it has been classified as a Variant of Uncertain Significance.

Blueprint Genetics
Classification: Uncertain significance. Last evaluated: 2023-03-28. Review status: criteria provided, single submitter. Criteria: ACMG Guidelines, 2015. Collection method: clinical testing. Allele origin: germline.

NM_004304.5(ALK):c.4160C>A (p.Thr1387Asn)

Gene: ALK (ALK receptor tyrosine kinase; minus strand). Cytogenetic location: 2p23.2.
Variant type: single nucleotide variant.
Coding change: c.4160C>A on transcript NM_004304.5 (MANE Select); coding-DNA position 4160, C replaced by A.
Protein change: p.Thr1387Asn; replaces threonine 1387 with asparagine.
Molecular consequence: missense variant.
Genome position (GRCh38, 1-based): chr2:29,196,774, G>T on the plus strand (C>A on the coding strand, the complement: ALK is on the minus strand). VCF-style: chr2-29196774-G-T. GRCh37 (hg19) VCF-style: chr2-29419640-G-T.
Other names: c.956C>A, p.Thr319Asn (NM_001353765.2); short protein forms T1387N, T319N.
Identifiers: ClinVar variation 4708602 (VCV004708602.2).